The following is an entry in ClinVar:

ClinVar aggregate classification (germline): Pathogenic/Likely pathogenic. Review status: criteria provided, multiple submitters, no conflicts (2 of 4 stars). 10 submissions from 10 submitters: Pathogenic (2); Likely pathogenic (6). 2 of the submissions do not count toward it. Last evaluated 2026-02-20.

Conditions:
FANCC-related disorder. Also called: FANCC-related condition.
Fanconi anemia complementation group C (FANCC). Also called: FANCONI PANCYTOPENIA, TYPE 3; FACC; Fanconi anemia, group C; FANCC-Related Fanconi Anemia. Identifiers: Orphanet 84, MedGen C3468041, MONDO:0009213, OMIM 227645.
Hereditary cancer-predisposing syndrome. Also called: Tumor predisposition; Hereditary neoplastic syndrome; Hereditary Cancer Syndrome; Neoplastic Syndromes, Hereditary. Identifiers: Orphanet 140162, MedGen C0027672, MeSH D009386, MONDO:0015356.
Fanconi anemia (FA). Also called: Fanconi's anemia. Identifiers: Orphanet 84, MedGen C0015625, MeSH D005199, MONDO:0019391.

Allele frequency attached by ClinVar (database versions not stated): gnomAD 0.00003 and 0.00004; ESP Exome Variant Server 0.00008; gnomAD exomes 0.00001 and below 0.00001; TOPMed 0.00005.
gnomAD v4.1: 11 of 1,609,606 alleles (0.00068%); highest among the groups gnomAD compares: African/African-American, 0.015%; no homozygotes.

Submissions (10):

St. Jude Molecular Pathology, St. Jude Children's Research Hospital
Classification: Likely pathogenic for Fanconi anemia complementation group C. Last evaluated: 2026-02-20. Review status: criteria provided, single submitter. Criteria: St. Jude Assertion Criteria 2020. Collection method: clinical testing. Allele origin: germline.
Comment: The FANCC c.521+1G>A intronic change results in a G to A substitution at the +1 position of intron 6 of the FANCC gene. This variant is predicted to result in loss of the native splice donor s ite and abnormal gene splicing, resulting in nonsense-mediated decay or an abnormal protein product. To our knowledge this variant has not been reported in individual with Fanconi Anemia. This variant has a maximum subpopulation frequency of 0.012% in g nomAD v2.1.1. In summary, this variant meets criteria to be classified as likely pathogenic.

Natera, Inc.
Classification: Likely pathogenic for Fanconi anemia. Last evaluated: 2025-12-17. Review status: criteria provided, single submitter. Criteria: Natera Variant Classification Schema (03/2026). Collection method: clinical testing. Allele origin: germline.
Comment: The c.521+1G>A variant in FANCC is a canonical splice donor site variant predicted to affect pre-mRNA splicing, which may result in an abnormal transcript and altered protein product. This variant is expected to result in nonsense mediated decay, truncation, or a dysfunctional protein product. This variant is rare in the general population with a frequency below the threshold expected for the associated phenotype(s). Given the available evidence, this variant is classified as Likely Pathogenic.

GeneDx
Classification: Likely pathogenic. Last evaluated: 2024-12-30. Review status: criteria provided, single submitter. Criteria: GeneDx Variant Classification Process June 2021. Collection method: clinical testing. Allele origin: germline.
Comment: Canonical splice site variant predicted to result in a null allele in a gene for which loss of function is a known mechanism of disease; Not observed at significant frequency in large population cohorts (gnomAD); Also known as IVS5+1G>A; This variant is associated with the following publications: (PMID: 29922827, 31589614, 16199547, 17924555, 33083949, 29439820, 35150601)

Baylor Genetics
Classification: Pathogenic for Fanconi anemia complementation group C. Last evaluated: 2023-12-06. Review status: criteria provided, single submitter. Criteria: ACMG Guidelines, 2015. Collection method: clinical testing. Allele origin: unknown.

Labcorp Genetics (formerly Invitae), Labcorp
Classification: Likely pathogenic for Fanconi anemia. Last evaluated: 2023-09-11. Review status: criteria provided, single submitter. Criteria: Invitae Variant Classification Sherloc (09022015). Collection method: clinical testing. Allele origin: germline.
Comment: This sequence change affects a donor splice site in intron 6 of the FANCC gene. It is expected to disrupt RNA splicing. Variants that disrupt the donor or acceptor splice site typically lead to a loss of protein function (PMID: 16199547), and loss-of-function variants in FANCC are known to be pathogenic (PMID: 17924555). This variant is present in population databases (rs145394391, gnomAD 0.01%). Disruption of this splice site has been observed in individual(s) with prostate cancer (PMID: 29439820). ClinVar contains an entry for this variant (Variation ID: 237074). Algorithms developed to predict the effect of sequence changes on RNA splicing suggest that this variant may disrupt the consensus splice site. In summary, the currently available evidence indicates that the variant is pathogenic, but additional data are needed to prove that conclusively. Therefore, this variant has been classified as Likely Pathogenic.

Ambry Genetics
Classification: Likely pathogenic for Hereditary cancer-predisposing syndrome. Last evaluated: 2023-06-06. Review status: criteria provided, single submitter. Criteria: Ambry Variant Classification Scheme 2023. Collection method: clinical testing. Allele origin: germline.
Comment: The c.521+1G>A intronic variant results from a G to A substitution one nucleotide after coding exon 5 of the FANCC gene. One study detected this alteration in 0/3030 pancreatic cancer cases and 2/123136 population controls (Hu C et al. JAMA, 2018 06;319:2401-2409). This alteration has also been detected in individuals diagnosed with breast and metastatic prostate cancer (Lovejoy LA et al. Fam Cancer, 2021 07;20:181-187; Antonarakis ES et al. Eur Urol, 2018 08;74:218-225). This nucleotide position is highly conserved in available vertebrate species. In silico splice site analysis predicts that this alteration will weaken the native splice donor site; however, direct evidence is insufficient at this time (Ambry internal data). Alterations that disrupt the canonical splice site are expected to cause aberrant splicing, resulting in an abnormal protein or a transcript that is subject to nonsense-mediated mRNA decay. As such, this alteration is classified as likely pathogenic.

Women's Health and Genetics/Laboratory Corporation of America, LabCorp
Classification: Likely pathogenic for Fanconi anemia complementation group C. Last evaluated: 2022-12-21. Review status: criteria provided, single submitter. Criteria: LabCorp Variant Classification Summary - May 2015. Collection method: clinical testing. Allele origin: germline.
Comment: Variant summary: FANCC c.521+1G>A is located in a canonical splice-site and is predicted to affect mRNA splicing resulting in a significantly altered protein due to either exon skipping, shortening, or inclusion of intronic material. Several computational tools predict a significant impact on normal splicing: Three predict the variant abolishes a 5' splicing donor site. However, these predictions have yet to be confirmed by functional studies. The variant allele was found at a frequency of 8e-06 in 251136 control chromosomes. c.521+1G>A has been reported in the literature in individuals affected with prostate or breast cancer (Antonarakis_2018, Lovejoy_2021), however, these reports do not provide unequivocal conclusions about association of the variant with Fanconi Anemia Group C. To our knowledge, no experimental evidence demonstrating an impact on protein function has been reported. Four clinical diagnostic laboratories have submitted clinical-significance assessments for this variant to ClinVar after 2014 and classified the variant as pathogenic (n=1) and likely pathogenic (n=3). Based on the evidence outlined above, the variant was classified as likely pathogenic.

Fulgent Genetics
Classification: Pathogenic for Fanconi anemia complementation group C. Last evaluated: 2022-05-12. Review status: criteria provided, single submitter. Criteria: ACMG Guidelines, 2015. Collection method: clinical testing. Allele origin: unknown.

PreventionGenetics, part of Exact Sciences
Classification: Likely pathogenic for FANCC-related condition. Last evaluated: 2024-02-26. Review status: no assertion criteria provided. Collection method: clinical testing. Allele origin: germline. Not counted in ClinVar's aggregate classification.
Comment: The FANCC c.521+1G>A variant is predicted to disrupt the GT donor site and interfere with normal splicing. This variant was reported in an individual with prostate cancer (Antonarakis et al. 2018. PubMed ID: 29439820) and an individual with breast cancer (Lovejoy et al. 2021. PubMed ID: 33083949). To our knowledge, this variant has not been previously reported in the literature in association with Fanconi anemia. This variant is reported in 0.012% of alleles in individuals of African descent in gnomAD and is interpreted as pathogenic or likely pathogenic in ClinVar. Variants that disrupt the consensus splice donor site in FANCC are expected to be pathogenic. This variant is interpreted as likely pathogenic.

Leiden Open Variation Database
Classification: Pathogenic for Fanconi anemia complementation group C. Last evaluated: 2020-02-28. Review status: no assertion criteria provided. Collection method: curation. Allele origin: germline. Affected: yes. Not counted in ClinVar's aggregate classification.
Comment: Curator: Arleen D. Auerbach. Submitter to LOVD: Arleen D. Auerbach.

Literature cited by the submitters: PubMed 16199547 (cited by Labcorp Genetics (formerly Invitae), Labcorp); PubMed 17924555 (cited by Labcorp Genetics (formerly Invitae), Labcorp); PubMed 29439820 (cited by 3 submitters); PubMed 29922827 (cited by Ambry Genetics and Women's Health and Genetics/Laboratory Corporation of America, LabCorp); PubMed 33083949 (cited by Ambry Genetics and Women's Health and Genetics/Laboratory Corporation of America, LabCorp); PubMed 31589614 (cited by Women's Health and Genetics/Laboratory Corporation of America, LabCorp).

NM_000136.3(FANCC):c.521+1G>A

Gene: FANCC (FA complementation group C; minus strand). Cytogenetic location: 9q22.32.
Variant type: single nucleotide variant.
Coding change: c.521+1G>A on transcript NM_000136.3 (MANE Select); the canonical splice donor site of the intron after coding-DNA position 521, G replaced by A.
Molecular consequence: splice donor variant.
Genome position (GRCh38, 1-based): chr9:95,171,078, C>T on the plus strand (G>A on the coding strand, the complement: FANCC is on the minus strand). VCF-style: chr9-95171078-C-T. GRCh37 (hg19) VCF-style: chr9-97933360-C-T.
Other names: c.521+1G>A (NM_001243743.2, NM_001243744.2).
Identifiers: ClinVar variation 237074 (VCV000237074.34), dbSNP rs145394391, ClinGen allele CA10582670.